The following is an entry in ClinVar:

ClinVar aggregate classification (germline): Uncertain significance. Review status: criteria provided, multiple submitters, no conflicts (2 of 4 stars). 4 submissions from 4 submitters: Uncertain significance (4). Last evaluated 2025-11-13.

Conditions:
Familial adenomatous polyposis 1 (FAP1). Also called: FAMILIAL ADENOMATOUS POLYPOSIS 1, ATTENUATED; POLYPOSIS, ADENOMATOUS INTESTINAL. Identifiers: MedGen C2713442, MONDO:0021056, OMIM 175100. Disease mechanism: loss of function.
Hereditary cancer-predisposing syndrome. Also called: Tumor predisposition; Neoplastic Syndromes, Hereditary; Hereditary Cancer Syndrome; Hereditary neoplastic syndrome. Identifiers: Orphanet 140162, MedGen C0027672, MeSH D009386, MONDO:0015356.

Submissions (4):

Labcorp Genetics (formerly Invitae), Labcorp
Classification: Uncertain significance for Familial adenomatous polyposis 1. Last evaluated: 2025-11-13. Review status: criteria provided, single submitter. Criteria: Invitae Variant Classification Sherloc (09022015). Collection method: clinical testing. Allele origin: germline.
Comment: This sequence change replaces proline, which is neutral and non-polar, with leucine, which is neutral and non-polar, at codon 1024 of the APC protein (p.Pro1024Leu). This variant is not present in population databases (gnomAD no frequency). This variant has not been reported in the literature in individuals affected with APC-related conditions. ClinVar contains an entry for this variant (Variation ID: 1727262). Invitae Evidence Modeling of protein sequence and biophysical properties (such as structural, functional, and spatial information, amino acid conservation, physicochemical variation, residue mobility, and thermodynamic stability) indicates that this missense variant is not expected to disrupt APC protein function with a negative predictive value of 95%. In summary, the available evidence is currently insufficient to determine the role of this variant in disease. Therefore, it has been classified as a Variant of Uncertain Significance.

Ambry Genetics
Classification: Uncertain significance for Hereditary cancer-predisposing syndrome. Last evaluated: 2025-10-28. Review status: criteria provided, single submitter. Criteria: Ambry Variant Classification Scheme 2023. Collection method: clinical testing. Allele origin: germline.
Comment: The p.P1024L variant (also known as c.3071C>T), located in coding exon 15 of the APC gene, results from a C to T substitution at nucleotide position 3071. The proline at codon 1024 is replaced by leucine, an amino acid with similar properties. This amino acid position is highly conserved in available vertebrate species. In addition, in silico predictors for this gene do not accurately predict pathogenicity. Based on the available evidence, the clinical significance of this variant remains unclear.

Color Diagnostics, LLC DBA Color Health
Classification: Uncertain significance for Hereditary cancer-predisposing syndrome. Last evaluated: 2023-09-24. Review status: criteria provided, single submitter. Criteria: ACMG Guidelines, 2015. Collection method: clinical testing. Allele origin: germline.
Comment: This missense variant replaces proline with leucine at codon 1024 of the APC protein. Computational prediction suggests that this variant may have deleterious impact on protein structure and function (internally defined REVEL score threshold >= 0.7, PMID: 27666373). To our knowledge, functional studies have not been reported for this variant. This variant has not been reported in individuals affected with APC-related disorders in the literature. This variant has not been identified in the general population by the Genome Aggregation Database (gnomAD). The available evidence is insufficient to determine the role of this variant in disease conclusively. Therefore, this variant is classified as a Variant of Uncertain Significance.

GeneDx
Classification: Uncertain significance. Last evaluated: 2022-05-16. Review status: criteria provided, single submitter. Criteria: GeneDx Variant Classification Process June 2021. Collection method: clinical testing. Allele origin: germline. Affected: yes.
Comment: Not observed at significant frequency in large population cohorts (gnomAD); In silico analysis supports that this missense variant has a deleterious effect on protein structure/function; Has not been previously published as pathogenic or benign to our knowledge; This variant is associated with the following publications: (PMID: 18199528)

NM_000038.6(APC):c.3071C>T (p.Pro1024Leu)

Gene: APC (APC regulator of Wnt signaling pathway; plus strand). Cytogenetic location: 5q22.2.
Variant type: single nucleotide variant.
Coding change: c.3071C>T on transcript NM_000038.6 (MANE Select); coding-DNA position 3071, C replaced by T.
Protein change: p.Pro1024Leu; replaces proline 1024 with leucine.
Molecular consequence: missense variant.
Genome position (GRCh38, 1-based): chr5:112,838,665, C>T. VCF-style: chr5-112838665-C-T. GRCh37 (hg19) VCF-style: chr5-112174362-C-T.
Other names: c.2684C>T, p.Pro895Leu (NM_001407467.1, NM_001407469.1); c.2222C>T, p.Pro741Leu (NM_001407470.1, NM_001354906.2); c.1919C>T, p.Pro640Leu (NM_001407471.1, NM_001407472.1); c.3071C>T, p.Pro1024Leu (NM_001127510.3, NM_001354895.2, NM_001407450.1); c.3017C>T, p.Pro1006Leu (NM_001127511.3); c.3125C>T, p.Pro1042Leu (NM_001354896.2, NM_001407447.1, NM_001407448.1 and 1 more transcripts); c.3101C>T, p.Pro1034Leu (NM_001354897.2); c.2996C>T, p.Pro999Leu (NM_001354898.2); and 11 more; short protein forms P1042L, P933L, P1014L, P1052L, P895L, P983L, P999L, P1006L.
Identifiers: ClinVar variation 1727262 (VCV001727262.11), dbSNP rs2149883688, ClinGen allele CA16028060.